The following is an entry in ClinVar:

ClinVar aggregate classification (germline): Uncertain significance (1 of 4 stars; one submission).

Conditions:
Hereditary cancer-predisposing syndrome. Also called: Hereditary neoplastic syndrome; Tumor predisposition; Hereditary Cancer Syndrome; Neoplastic Syndromes, Hereditary. Identifiers: Orphanet 140162, MedGen C0027672, MeSH D009386, MONDO:0015356.

Submissions (2):

Color Diagnostics, LLC DBA Color Health
Classification: Uncertain significance for Hereditary cancer-predisposing syndrome. Last evaluated: 2019-04-30. Review status: criteria provided, single submitter. Criteria: ACMG Guidelines, 2015. Collection method: clinical testing. Allele origin: germline.

Brotman Baty Institute, University of Washington
No classification provided (evidence only). Condition: Breast-ovarian cancer, familial 1. Review status: no classification provided. Collection method: in vitro. Allele origin: not applicable. Functional consequence: functionally_normal. Not counted in ClinVar's aggregate classification.
ClinVar note: "not provided" was previously submitted as the classification for the variant. However, the classification appeared to be based only on an observation of functional data so it was converted to no classification on 2025-07-30.

NM_007294.4(BRCA1):c.5153-11G>A

Gene: BRCA1 (BRCA1 DNA repair associated; minus strand). Cytogenetic location: 17q21.31.
Variant type: single nucleotide variant.
Coding change: c.5153-11G>A on transcript NM_007294.4 (MANE Select); 11 bases into the intron before coding-DNA position 5153, G replaced by A.
Molecular consequence: intron variant.
Genome position (GRCh38, 1-based): chr17:43,063,384, C>T on the plus strand (G>A on the coding strand, the complement: BRCA1 is on the minus strand). VCF-style: chr17-43063384-C-T. GRCh37 (hg19) VCF-style: chr17-41215401-C-T.
Other names: c.1700-11G>A (NM_001408458.1, NM_001408461.1, NM_001408464.1 and 7 more transcripts); c.4262-11G>A (NM_001407967.1); c.4772-11G>A (NM_001407959.1); c.4886-11G>A (NM_001407931.1, NM_001407932.1, NM_001407928.1 and 4 more transcripts); c.5009-11G>A (NM_001407747.1, NM_001407745.1, NM_001407737.1 and 21 more transcripts); c.4769-11G>A (NM_001407962.1, NM_001407960.1); c.1340-11G>A (NM_001408512.1); c.1463-11G>A (NM_001408510.1); and 72 more.
Identifiers: ClinVar variation 629810 (VCV000629810.6), dbSNP rs1057521674, ClinGen allele CA913188794.